The following is an entry in ClinVar:

ClinVar aggregate classification (germline): Likely benign (0 of 4 stars; one submission).

Conditions:
SEMA3F-related disorder. Also called: SEMA3F-related condition.

Allele frequency attached by ClinVar (database versions not stated): gnomAD 0.00003; TOPMed 0.00003.
gnomAD v4.1: 74 of 1,613,144 alleles (0.0046%); highest among the groups gnomAD compares: Non-Finnish European, 0.0058%; no homozygotes.

Submission:

PreventionGenetics, part of Exact Sciences
Classification: Likely benign for SEMA3F-related condition. Last evaluated: 2021-07-19. Review status: no assertion criteria provided. Collection method: clinical testing. Allele origin: germline.
Comment: This variant is classified as likely benign based on ACMG/AMP sequence variant interpretation guidelines (Richards et al. 2015 PMID: 25741868, with internal and published modifications).

NM_004186.5(SEMA3F):c.1461C>T (p.Arg487=)

Gene: SEMA3F (semaphorin 3F; plus strand). Cytogenetic location: 3p21.31.
Variant type: single nucleotide variant.
Coding change: c.1461C>T on transcript NM_004186.5 (MANE Select); coding-DNA position 1461, C replaced by T.
Protein change: p.Arg487=; no amino-acid change (arginine 487 retained).
Molecular consequence: synonymous variant.
Genome position (GRCh38, 1-based): chr3:50,185,447, C>T. VCF-style: chr3-50185447-C-T. GRCh37 (hg19) VCF-style: chr3-50222880-C-T.
Other names: c.1164C>T, p.Arg388= (NM_001318798.2); c.1368C>T, p.Arg456= (NM_001318800.2).
Identifiers: ClinVar variation 3036752 (VCV003036752.2), dbSNP rs769871462, ClinGen allele CA2412125.